The following is an entry in ClinVar:

ClinVar aggregate classification (germline): Likely benign. Review status: criteria provided, single submitter (1 of 4 stars). 2 submissions from 2 submitters: Likely benign (1). 1 of the submissions does not count toward it. Last evaluated 2024-06-17.

Conditions:
NOTCH2-related disorder. Also called: NOTCH2-related condition.

Allele frequency attached by ClinVar (database versions not stated): TOPMed 0.00009; gnomAD 0.00013; ExAC 0.00029; 1000 Genomes Project 30x 0.00156; 1000 Genomes Project 0.00180.
gnomAD v4.1: 162 of 1,613,986 alleles (0.01%); highest among the groups gnomAD compares: East Asian, 0.18%; 1 homozygote.

Submissions (2):

Blueprint Genetics
Classification: Likely benign. Last evaluated: 2024-06-17. Review status: criteria provided, single submitter. Criteria: ACMG Guidelines, 2015. Collection method: clinical testing. Allele origin: germline.

PreventionGenetics, part of Exact Sciences
Classification: Likely benign for NOTCH2-related condition. Last evaluated: 2019-05-10. Review status: no assertion criteria provided. Collection method: clinical testing. Allele origin: germline. Not counted in ClinVar's aggregate classification.
Comment: This variant is classified as likely benign based on ACMG/AMP sequence variant interpretation guidelines (Richards et al. 2015 PMID: 25741868, with internal and published modifications).

NM_024408.4(NOTCH2):c.3655+35G>A

Gene: NOTCH2 (notch receptor 2; minus strand). Cytogenetic location: 1p12.
Variant type: single nucleotide variant.
Coding change: c.3655+35G>A on transcript NM_024408.4 (MANE Select); 35 bases into the intron after coding-DNA position 3655, G replaced by A.
Molecular consequence: intron variant. On other transcripts: synonymous variant (1).
Genome position (GRCh38, 1-based): chr1:119,935,437, C>T on the plus strand (G>A on the coding strand, the complement: NOTCH2 is on the minus strand). VCF-style: chr1-119935437-C-T. GRCh37 (hg19) VCF-style: chr1-120478060-C-T.
Other names: c.3690G>A, p.Gly1230= (NM_001200001.2).
Identifiers: ClinVar variation 3037566 (VCV003037566.3), dbSNP rs587738385, ClinGen allele CA1040011.
Genomic context (GRCh38, chr1:119,935,437, plus strand): 5'-TATCTTTAATTTTATAAAATCCCCTGAACACTAAGAATGGATTTATAACTTAAGACAATG[C>T]CCTGGATGGAAAATGGATAAGGATGATTTCATACCCCGAGTGCCTGGTGGGCAAGAGCAC-3'